The following is an entry in ClinVar:

ClinVar aggregate classification (germline): Uncertain significance. Review status: criteria provided, multiple submitters, no conflicts (2 of 4 stars). 2 submissions from 2 submitters: Uncertain significance (2). Last evaluated 2024-03-20.

Conditions:
Inborn genetic diseases. Identifiers: MedGen C0950123, MeSH D030342.
Dyskeratosis congenita, autosomal recessive 5 (DKCB5). Identifiers: MedGen C3554656, MONDO:0014076, OMIM 615190.
Pulmonary fibrosis and/or bone marrow failure, Telomere-related, 3. Also called: PULMONARY FIBROSIS AND/OR BONE MARROW FAILURE SYNDROME, TELOMERE-RELATED, 3. Identifiers: Orphanet 2032, MedGen C4225346, MONDO:0014613, OMIM 616373.

Allele frequency attached by ClinVar (database versions not stated): gnomAD 0.00002.
gnomAD v4.1: 4 of 1,612,550 alleles (0.00025%); highest among the groups gnomAD compares: African/African-American, 0.0027%; no homozygotes.

Submissions (2):

Ambry Genetics
Classification: Uncertain significance for Inborn genetic diseases. Last evaluated: 2024-03-20. Review status: criteria provided, single submitter. Criteria: Ambry Variant Classification Scheme 2023. Collection method: clinical testing. Allele origin: germline.

Labcorp Genetics (formerly Invitae), Labcorp
Classification: Uncertain significance for Dyskeratosis congenita, autosomal recessive 5; Pulmonary fibrosis and/or bone marrow failure, Telomere-related, 3. Last evaluated: 2021-09-01. Review status: criteria provided, single submitter. Criteria: Invitae Variant Classification Sherloc (09022015). Collection method: clinical testing. Allele origin: germline.
Comment: This sequence change replaces alanine with valine at codon 918 of the RTEL1 protein (p.Ala918Val). The alanine residue is moderately conserved and there is a small physicochemical difference between alanine and valine. This variant is not present in population databases (ExAC no frequency). This variant has not been reported in the literature in individuals affected with RTEL1-related conditions. Algorithms developed to predict the effect of missense changes on protein structure and function are either unavailable or do not agree on the potential impact of this missense change (SIFT: "Tolerated"; PolyPhen-2: "Probably Damaging"; Align-GVGD: "Class C0"). Algorithms developed to predict the effect of sequence changes on RNA splicing suggest that this variant may create or strengthen a splice site. In summary, the available evidence is currently insufficient to determine the role of this variant in disease. Therefore, it has been classified as a Variant of Uncertain Significance.

NM_001283009.2(RTEL1):c.2753C>T (p.Ala918Val)

Genes: RTEL1 (regulator of telomere elongation helicase 1; plus strand), RTEL1-TNFRSF6B (RTEL1-TNFRSF6B readthrough (NMD candidate); plus strand). Cytogenetic location: 20q13.33.
Variant type: single nucleotide variant.
Coding change: c.2753C>T on transcript NM_001283009.2 (MANE Select); coding-DNA position 2753, C replaced by T.
Protein change: p.Ala918Val; replaces alanine 918 with valine.
Molecular consequence: missense variant. On other transcripts: non-coding transcript variant (1).
Genome position (GRCh38, 1-based): chr20:63,692,905, C>T. VCF-style: chr20-63692905-C-T. GRCh37 (hg19) VCF-style: chr20-62324258-C-T.
Other names: c.2084C>T, p.Ala695Val (NM_001283010.1); c.2753C>T, p.Ala918Val (NM_016434.4); c.2825C>T, p.Ala942Val (NM_032957.5); c.2825C>T (NM_032957.4); short protein forms A695V, A918V, A942V.
Identifiers: ClinVar variation 1402969 (VCV001402969.6), dbSNP rs1234595238, ClinGen allele CA409682975.